The following is an entry in ClinVar:

ClinVar aggregate classification (germline): Pathogenic (1 of 4 stars; one submission).

Conditions:
Nemaline myopathy 2 (NEM2). Also called: Nemaline myopathy 2, autosomal recessive. Identifiers: MedGen C1850569, MONDO:0009725, OMIM 256030.

Submission:

Labcorp Genetics (formerly Invitae), Labcorp
Classification: Pathogenic for Nemaline myopathy 2. Last evaluated: 2022-07-12. Review status: criteria provided, single submitter. Criteria: Invitae Variant Classification Sherloc (09022015). Collection method: clinical testing. Allele origin: germline.
Comment: This sequence change creates a premature translational stop signal (p.Gln6120*) in the NEB gene. It is expected to result in an absent or disrupted protein product. Loss-of-function variants in NEB are known to be pathogenic (PMID: 25205138). This variant is not present in population databases (gnomAD no frequency). This variant has not been reported in the literature in individuals affected with NEB-related conditions. For these reasons, this variant has been classified as Pathogenic.

Literature cited by the submitters: PubMed 25205138.

NM_001164508.2(NEB):c.18358C>T (p.Gln6120Ter)

Gene: NEB (nebulin; minus strand). Cytogenetic location: 2q23.3.
Variant type: single nucleotide variant.
Coding change: c.18358C>T on transcript NM_001164508.2 (MANE Select); coding-DNA position 18358, C replaced by T.
Protein change: p.Gln6120Ter; replaces glutamine 6120 with a stop codon.
Molecular consequence: nonsense.
Genome position (GRCh38, 1-based): chr2:151,565,509, G>A on the plus strand (C>T on the coding strand, the complement: NEB is on the minus strand). VCF-style: chr2-151565509-G-A. GRCh37 (hg19) VCF-style: chr2-152422023-G-A.
Other names: c.18358C>T, p.Gln6120Ter (NM_001164507.2, NM_001271208.2); c.13255C>T, p.Gln4419Ter (NM_004543.5); short protein forms Q4419*, Q6120*.
Identifiers: ClinVar variation 2040163 (VCV002040163.4), dbSNP rs2552192485, ClinGen allele CA348801026.
Genomic context (GRCh38, chr2:151,565,509, plus strand): 5'-AGACAATTTACTCCCCAGTCTGTGCACTTCAGCATGCACAAAGCAAACTTACATCACTTT[G>A]ATTGACAGAATTAATCTTGGCTAAAACAATCTCTGGAGGATCCACCACACTTCTAAAGTT-3'